The following is an entry in ClinVar:

ClinVar aggregate classification (germline): Uncertain significance (1 of 4 stars; one submission).

Conditions:
Hereditary breast ovarian cancer syndrome. Also called: Hereditary breast and ovarian cancer syndrome (HBOC); Hereditary breast and ovarian cancer; Breast and ovarian cancer; Hereditary breast and/or ovarian cancer syndrome; BRCA1- and BRCA2-Associated Hereditary Breast and Ovarian Cancer; Hereditary breast and ovarian cancer syndrome. Identifiers: Orphanet 145, MedGen C0677776, MeSH D061325, MONDO:0003582. Disease mechanism: loss of function.

Submission:

Labcorp Genetics (formerly Invitae), Labcorp
Classification: Uncertain significance for Hereditary breast ovarian cancer syndrome. Last evaluated: 2025-04-24. Review status: criteria provided, single submitter. Criteria: Invitae Variant Classification Sherloc (09022015). Collection method: clinical testing. Allele origin: germline.
Comment: This sequence change replaces serine, which is neutral and polar, with alanine, which is neutral and non-polar, at codon 561 of the BRCA1 protein (p.Ser561Ala). This variant is not present in population databases (gnomAD no frequency). This variant has not been reported in the literature in individuals affected with BRCA1-related conditions. Invitae Evidence Modeling of protein sequence and biophysical properties (such as structural, functional, and spatial information, amino acid conservation, physicochemical variation, residue mobility, and thermodynamic stability) indicates that this missense variant is not expected to disrupt BRCA1 protein function with a negative predictive value of 80%. In summary, the available evidence is currently insufficient to determine the role of this variant in disease. Therefore, it has been classified as a Variant of Uncertain Significance.

NM_007294.4(BRCA1):c.1681T>G (p.Ser561Ala)

Gene: BRCA1 (BRCA1 DNA repair associated; minus strand). Cytogenetic location: 17q21.31.
Variant type: single nucleotide variant.
Coding change: c.1681T>G on transcript NM_007294.4 (MANE Select); coding-DNA position 1681, T replaced by G.
Protein change: p.Ser561Ala; replaces serine 561 with alanine.
Molecular consequence: missense variant. On other transcripts: intron variant (137).
Genome position (GRCh38, 1-based): chr17:43,093,850, A>C on the plus strand (T>G on the coding strand, the complement: BRCA1 is on the minus strand). VCF-style: chr17-43093850-A-C. GRCh37 (hg19) VCF-style: chr17-41245867-A-C.
Other names: c.577+894T>G (NM_001408484.1, NM_001408478.1, NM_001408514.1 and 9 more transcripts); c.1681T>G, p.Ser561Ala (NM_001407859.1, NM_001407581.1, NM_001407582.1 and 30 more transcripts); c.1678T>G, p.Ser560Ala (NM_001407860.1, NM_001407861.1, NM_001407587.1 and 22 more transcripts); c.661+894T>G (NM_001408450.1, NM_001408434.1, NM_001408447.1 and 6 more transcripts); c.784+894T>G (NM_001408398.1, NM_001407992.1, NM_001407991.1 and 13 more transcripts); c.1480T>G, p.Ser494Ala (NM_001407862.1); c.1558T>G, p.Ser520Ala (NM_001407863.1, NM_001407648.1, NM_001407664.1 and 19 more transcripts); c.1477T>G, p.Ser493Ala (NM_001407874.1, NM_001407875.1); and 40 more; short protein forms S265A, S393A, S433A, S434A, S449A, S450A, S472A, S473A.
Identifiers: ClinVar variation 4800855 (VCV004800855.1).